The following is an entry in ClinVar:

NM_001206927.2(DNAH8):c.10760A>G (p.Gln3587Arg)

Genes: DNAH8 (dynein axonemal heavy chain 8; plus strand), DNAH8-AS1 (DNAH8 antisense RNA 1; minus strand). Cytogenetic location: 6p21.2.
Variant type: single nucleotide variant.
Coding change: c.10760A>G on transcript NM_001206927.2 (MANE Select); coding-DNA position 10760, A replaced by G.
Protein change: p.Gln3587Arg; replaces glutamine 3587 with arginine.
Molecular consequence: missense variant. On other transcripts: non-coding transcript variant (1).
Genome position (GRCh38, 1-based): chr6:38,923,155, A>G. VCF-style: chr6-38923155-A-G. GRCh37 (hg19) VCF-style: chr6-38890931-A-G.
Other names: c.10109A>G, p.Gln3370Arg (NM_001371.4); short protein forms Q3370R, Q3587R.
Identifiers: ClinVar variation 1314747 (VCV001314747.2), dbSNP rs373965207, ClinGen allele CA3790822.

ClinVar aggregate classification (germline): Uncertain significance (1 of 4 stars; one submission).

Allele frequency attached by ClinVar (database versions not stated): gnomAD exomes below 0.00001 and 0.00001; ExAC 0.00001; TOPMed 0.00001; ESP Exome Variant Server 0.00008.
gnomAD v4.1: 5 of 1,613,774 alleles (0.00031%); highest among the groups gnomAD compares: Admixed American, 0.0017%; no homozygotes.

Submission:

GeneDx
Classification: Uncertain significance. Last evaluated: 2021-04-26. Review status: criteria provided, single submitter. Criteria: GeneDx Variant Classification Process June 2021. Collection method: clinical testing. Allele origin: germline. Affected: yes.
Comment: In silico analysis supports that this missense variant has a deleterious effect on protein structure/function; Has not been previously published as pathogenic or benign to our knowledge; Variants in candidate genes are classified as variants of uncertain significance in accordance with ACMG guidelines (Richards et al., 2015)